The following is an entry in ClinVar:

NM_001378964.1(CDON):c.3059C>A (p.Thr1020Asn)

Gene: CDON (cell adhesion associated, oncogene regulated; minus strand). Cytogenetic location: 11q24.2.
Variant type: single nucleotide variant.
Coding change: c.3059C>A on transcript NM_001378964.1 (MANE Select); coding-DNA position 3059, C replaced by A.
Protein change: p.Thr1020Asn; replaces threonine 1020 with asparagine.
Molecular consequence: missense variant.
Genome position (GRCh38, 1-based): chr11:125,981,266, G>T on the plus strand (C>A on the coding strand, the complement: CDON is on the minus strand). VCF-style: chr11-125981266-G-T. GRCh37 (hg19) VCF-style: chr11-125851161-G-T.
Other names: c.3059C>A, p.Thr1020Asn (NM_001243597.3, NM_016952.6); short protein forms T1020N.
Identifiers: ClinVar variation 1058364 (VCV001058364.9), dbSNP rs1346428890, ClinGen allele CA383200150.

ClinVar aggregate classification (germline): Uncertain significance (1 of 4 stars; one submission).

Conditions:
Holoprosencephaly 11 (HPE11). Identifiers: Orphanet 2162, MedGen C3280215, MONDO:0013642, OMIM 614226.

Allele frequency attached by ClinVar (database versions not stated): gnomAD exomes below 0.00001.
gnomAD v4.1: 1 of 1,614,058 alleles (0.000062%); highest among the groups gnomAD compares: Non-Finnish European, 0.000085%; no homozygotes.

Submission:

Labcorp Genetics (formerly Invitae), Labcorp
Classification: Uncertain significance for Holoprosencephaly 11. Last evaluated: 2020-08-25. Review status: criteria provided, single submitter. Criteria: Invitae Variant Classification Sherloc (09022015). Collection method: clinical testing. Allele origin: germline.
Comment: This sequence change replaces threonine with asparagine at codon 1020 of the CDON protein (p.Thr1020Asn). The threonine residue is highly conserved and there is a small physicochemical difference between threonine and asparagine. This variant is not present in population databases (ExAC no frequency). This variant has not been reported in the literature in individuals with CDON-related conditions. Algorithms developed to predict the effect of missense changes on protein structure and function are either unavailable or do not agree on the potential impact of this missense change (SIFT: "Tolerated"; PolyPhen-2: "Possibly Damaging"; Align-GVGD: "Class C0"). In summary, the available evidence is currently insufficient to determine the role of this variant in disease. Therefore, it has been classified as a Variant of Uncertain Significance.